The following is an entry in ClinVar:

NM_177438.3(DICER1):c.2492_2495del (p.Glu830_Leu831insTer)

Gene: DICER1 (dicer 1, ribonuclease III; minus strand). Cytogenetic location: 14q32.13.
Variant type: Deletion.
Coding change: c.2492_2495del on transcript NM_177438.3 (MANE Select); coding-DNA positions 2492 to 2495, 4 bases deleted (TGAA; older notation c.2492_2495delTGAA).
Protein change: p.Glu830_Leu831insTer.
Molecular consequence: nonsense.
Genome position (GRCh38, 1-based): chr14:95,108,035-95,108,038, TTCA deleted on the plus strand (TGAA on the coding strand, the reverse complement: DICER1 is on the minus strand). VCF-style (leftmost placement, unchanged base first): chr14-95108034-CTTCA-C. GRCh37 (hg19) VCF-style: chr14-95574371-CTTCA-C.
Other names: c.2492_2495del, p.Glu830_Leu831insTer (NM_001195573.1, NM_001271282.3, NM_001291628.2 and 1 more transcripts).
Identifiers: ClinVar variation 1074364 (VCV001074364.8), dbSNP rs2140025853, ClinGen allele CA1139533044.
Genomic context (GRCh38, chr14:95,108,034, plus strand): 5'-ATACTGGTGAAGTCTTGTAATCAACTCAAGCATTTGTAGAGACAACATGAAACCAGACTT[CTTCA>C]ACTCAATGGATATGGTAACCTCTCCAGAGCGTGTGTACACAGGAAAGTGTGGAATCTTAG-3'

ClinVar aggregate classification (germline): Pathogenic (1 of 4 stars; one submission).

Conditions:
DICER1-related tumor predisposition. Also called: DICER1 syndrome; DICER1-related pleuropulmonary blastoma cancer predisposition syndrome. Identifiers: Orphanet 284343, MedGen C3839822, MONDO:0100216.

Submission:

Labcorp Genetics (formerly Invitae), Labcorp
Classification: Pathogenic for DICER1-related tumor predisposition. Last evaluated: 2020-04-20. Review status: criteria provided, single submitter. Criteria: Invitae Variant Classification Sherloc (09022015). Collection method: clinical testing. Allele origin: germline.
Comment: For these reasons, this variant has been classified as Pathogenic. This sequence change creates a premature translational stop signal (p.Leu831*) in the DICER1 gene. It is expected to result in an absent or disrupted protein product. This variant is not present in population databases (ExAC no frequency). This variant has not been reported in the literature in individuals with DICER1-related conditions. Loss-of-function variants in DICER1 are known to be pathogenic (PMID: 19556464, 21266384).

Literature cited by the submitters: PubMed 19556464; PubMed 21266384.